The following is an entry in ClinVar:

NM_001035.3(RYR2):c.1133A>G (p.Asp378Gly)

Gene: RYR2 (ryanodine receptor 2; plus strand). Cytogenetic location: 1q43.
Variant type: single nucleotide variant.
Coding change: c.1133A>G on transcript NM_001035.3 (MANE Select); coding-DNA position 1133, A replaced by G.
Protein change: p.Asp378Gly; replaces aspartic acid 378 with glycine.
Molecular consequence: missense variant.
Genome position (GRCh38, 1-based): chr1:237,441,446, A>G. VCF-style: chr1-237441446-A-G. GRCh37 (hg19) VCF-style: chr1-237604746-A-G.
Other names: short protein forms D378G.
Identifiers: ClinVar variation 4757735 (VCV004757735.1).
Genomic context (GRCh38, chr1:237,441,446, plus strand): 5'-ACTCAGTATGCTATATACAACATGTAGACACAGGCCTATGGCTTACTTACCAGTCTGTGG[A>G]CGTGAAATCCGTGAGAATGGGATCTATACAACGTAAGGTAAGGTGATAGAAAAAAACATA-3'
Protein context (NP_001026.2, residues 368-388): TGLWLTYQSV[Asp378Gly]VKSVRMGSIQ

ClinVar aggregate classification (germline): Uncertain significance (1 of 4 stars; one submission).

Conditions:
Cardiomyopathy (CMYO). Also called: Cardiomyopathies. Identifiers: Orphanet 167848, MedGen C0878544, MONDO:0004994, HP:0001638. Inheritance: Various modes of inheritance.

Submission:

Color Diagnostics, LLC DBA Color Health
Classification: Uncertain significance for Cardiomyopathy. Last evaluated: 2025-07-17. Review status: criteria provided, single submitter. Criteria: ACMG Guidelines, 2015. Collection method: clinical testing. Allele origin: germline.
Comment: This missense variant replaces aspartic acid with glycine at codon 378 of the RYR2 protein. Computational prediction suggests that this variant may have deleterious impact on protein structure and function. To our knowledge, functional studies have not been reported for this variant. This variant has not been reported in individuals affected with RYR2-related disorders in the literature. This variant has not been identified in the general population by the Genome Aggregation Database (gnomAD). The available evidence is insufficient to determine the role of this variant in disease conclusively. Therefore, this variant is classified as a Variant of Uncertain Significance.